The following is an entry in ClinVar:

NM_016604.4(KDM3B):c.4364C>A (p.Ser1455Tyr)

Gene: KDM3B (lysine demethylase 3B; plus strand). Cytogenetic location: 5q31.2.
Variant type: single nucleotide variant.
Coding change: c.4364C>A on transcript NM_016604.4 (MANE Select); coding-DNA position 4364, C replaced by A.
Protein change: p.Ser1455Tyr; replaces serine 1455 with tyrosine.
Molecular consequence: missense variant.
Genome position (GRCh38, 1-based): chr5:138,425,535, C>A. VCF-style: chr5-138425535-C-A. GRCh37 (hg19) VCF-style: chr5-137761224-C-A.
Other names: short protein forms S1455Y.
Identifiers: ClinVar variation 3360681 (VCV003360681.1).
Genomic context (GRCh38, chr5:138,425,535, plus strand): 5'-GCCAGGAATTTGGAGACCAGGATGTAGACTTGGTGAACTGCAGGAACTGTGCTATAATTT[C>A]CGATGTGAAAGTTCGGGATTTCTGGGATGGTTTCGAGATCATATGCAGTAAGTAGCTTTC-3'
Protein context (NP_057688.3, residues 1445-1465): LVNCRNCAII[Ser1455Tyr]DVKVRDFWDG

ClinVar aggregate classification (germline): Uncertain significance (1 of 4 stars; one submission).

Submission:

GeneDx
Classification: Uncertain significance. Last evaluated: 2023-06-29. Review status: criteria provided, single submitter. Criteria: GeneDx Variant Classification Process June 2021. Collection method: clinical testing. Allele origin: germline. Affected: yes.
Comment: Not observed at significant frequency in large population cohorts (gnomAD); In silico analysis supports that this missense variant has a deleterious effect on protein structure/function; Has not been previously published as pathogenic or benign to our knowledge